The following is an entry in ClinVar:

NM_006035.4(CDC42BPB):c.2T>C (p.Met1Thr)

Gene: CDC42BPB (CDC42 binding protein kinase beta; minus strand). Cytogenetic location: 14q32.32.
Variant type: single nucleotide variant.
Coding change: c.2T>C on transcript NM_006035.4 (MANE Select); coding-DNA position 2, T replaced by C.
Protein change: p.Met1Thr; changes the start codon (methionine 1).
Molecular consequence: missense variant, initiator codon variant.
Genome position (GRCh38, 1-based): chr14:103,057,172, A>G on the plus strand (T>C on the coding strand, the complement: CDC42BPB is on the minus strand). VCF-style: chr14-103057172-A-G. GRCh37 (hg19) VCF-style: chr14-103523509-A-G.
Other names: c.2T>C, p.Met1Thr (NM_001411054.1); short protein forms M1T.
Identifiers: ClinVar variation 2627007 (VCV002627007.1), dbSNP rs2503747057, ClinGen allele CA391087363.

ClinVar aggregate classification (germline): Likely pathogenic (1 of 4 stars; one submission).

Conditions:
Chilton-Okur-Chung neurodevelopmental syndrome (CHOCNS). Identifiers: MedGen C5677022, MONDO:0859239, OMIM 619841.

Submission:

Greenwood Genetic Center Diagnostic Laboratories, Greenwood Genetic Center
Classification: Likely pathogenic for Chilton-Okur-Chung neurodevelopmental syndrome. Last evaluated: 2023-07-28. Review status: criteria provided, single submitter. Criteria: ACMG Guidelines, 2015. Collection method: clinical testing. Allele origin: germline. Affected: yes.
Comment: PS2, PM2